The following is an entry in ClinVar:

ClinVar aggregate classification (germline): Uncertain significance. Review status: criteria provided, single submitter (1 of 4 stars). 2 submissions from 2 submitters: Uncertain significance (1). 1 of the submissions does not count toward it. Last evaluated 2022-10-13.

Conditions:
Congenital myasthenic syndrome 11. Also called: MYASTHENIC SYNDROME, CONGENITAL, Ie; Myasthenic syndrome, congenital, 11, associated with acetylcholine receptor deficiency. Identifiers: Orphanet 590, MedGen C4225367, MONDO:0014588, OMIM 616326.
Fetal akinesia deformation sequence 1 (FADS1). Also called: Pena-Shokeir syndrome type I; Fetal akinesia sequence. Identifiers: Orphanet 994, MedGen C1276035, MONDO:0100101, OMIM 208150, HP:0001989.
Congenital myasthenic syndrome (CMS). Also called: Congenital Myasthenic Syndromes. Identifiers: Orphanet 590, MedGen C0751882, MeSH D020294, MONDO:0018940.

Allele frequency attached by ClinVar (database versions not stated): gnomAD exomes 0.00001 and 0.00004; TOPMed 0.00002; ExAC 0.00003.

Submissions (2):

Labcorp Genetics (formerly Invitae), Labcorp
Classification: Uncertain significance for Congenital myasthenic syndrome 11; Fetal akinesia deformation sequence 1. Last evaluated: 2022-10-13. Review status: criteria provided, single submitter. Criteria: Invitae Variant Classification Sherloc (09022015). Collection method: clinical testing. Allele origin: germline.
Comment: This sequence change replaces arginine, which is basic and polar, with cysteine, which is neutral and slightly polar, at codon 221 of the RAPSN protein (p.Arg221Cys). This variant is present in population databases (rs769989407, gnomAD 0.03%). This variant has not been reported in the literature in individuals affected with RAPSN-related conditions. ClinVar contains an entry for this variant (Variation ID: 946118). Advanced modeling of protein sequence and biophysical properties (such as structural, functional, and spatial information, amino acid conservation, physicochemical variation, residue mobility, and thermodynamic stability) performed at Invitae indicates that this missense variant is expected to disrupt RAPSN protein function. In summary, the available evidence is currently insufficient to determine the role of this variant in disease. Therefore, it has been classified as a Variant of Uncertain Significance.

Natera, Inc.
Classification: Uncertain significance for Congenital myasthenic syndrome. Last evaluated: 2020-08-19. Review status: no assertion criteria provided. Collection method: clinical testing. Allele origin: germline. Not counted in ClinVar's aggregate classification.

NM_005055.5(RAPSN):c.661C>T (p.Arg221Cys)

Gene: RAPSN (receptor associated protein of the synapse; minus strand). Cytogenetic location: 11p11.2.
Variant type: single nucleotide variant.
Coding change: c.661C>T on transcript NM_005055.5 (MANE Select); coding-DNA position 661, C replaced by T.
Protein change: p.Arg221Cys; replaces arginine 221 with cysteine.
Molecular consequence: missense variant.
Genome position (GRCh38, 1-based): chr11:47,442,685, G>A on the plus strand (C>T on the coding strand, the complement: RAPSN is on the minus strand). VCF-style: chr11-47442685-G-A. GRCh37 (hg19) VCF-style: chr11-47464237-G-A.
Other names: c.661C>T, p.Arg221Cys (NM_032645.5); short protein forms R221C.
Identifiers: ClinVar variation 946118 (VCV000946118.4), dbSNP rs769989407, ClinGen allele CA5976684.